The following is an entry in ClinVar:

NM_004336.5(BUB1):c.1004T>A (p.Leu335Gln)

Gene: BUB1 (BUB1 mitotic checkpoint serine/threonine kinase; minus strand). Cytogenetic location: 2q13.
Variant type: single nucleotide variant.
Coding change: c.1004T>A on transcript NM_004336.5 (MANE Select); coding-DNA position 1004, T replaced by A.
Protein change: p.Leu335Gln; replaces leucine 335 with glutamine.
Molecular consequence: missense variant.
Genome position (GRCh38, 1-based): chr2:110,661,795, A>T on the plus strand (T>A on the coding strand, the complement: BUB1 is on the minus strand). VCF-style: chr2-110661795-A-T. GRCh37 (hg19) VCF-style: chr2-111419372-A-T.
Other names: c.944T>A, p.Leu315Gln (NM_001278616.2); c.1004T>A, p.Leu335Gln (NM_001278617.2); short protein forms L315Q, L335Q.
Identifiers: ClinVar variation 1779215 (VCV001779215.4), dbSNP rs1574328396, ClinGen allele CA348214615.
Genomic context (GRCh38, chr2:110,661,795, plus strand): 5'-GGGTTCTTTTCCATGTTCACTGGTGTCTGCTGATAGGTTACTGGAAGACATGGCGCTCTC[A>T]GTTCCTGCTGGGAGCCTACACTTGGCCCCATACGTGCTGGATTAACCTTTCATATTAAAC-3'
Protein context (NP_004327.1, residues 325-345): MGPSVGSQQE[Leu335Gln]RAPCLPVTYQ

ClinVar aggregate classification (germline): Uncertain significance (1 of 4 stars; one submission).

Allele frequency attached by ClinVar (database versions not stated): gnomAD exomes below 0.00001; TOPMed below 0.00001.
gnomAD v4.1: 2 of 1,614,172 alleles (0.00012%); highest among the groups gnomAD compares: Non-Finnish European, 0.00017%; no homozygotes.

Submission:

Ambry Genetics
Classification: Uncertain significance. Last evaluated: 2024-07-21. Review status: criteria provided, single submitter. Criteria: Ambry Variant Classification Scheme 2023. Collection method: clinical testing. Allele origin: germline.
Comment: The p.L335Q variant (also known as c.1004T>A), located in coding exon 10 of the BUB1 gene, results from a T to A substitution at nucleotide position 1004. The leucine at codon 335 is replaced by glutamine, an amino acid with dissimilar properties. This amino acid position is conserved. In addition, this alteration is predicted to be tolerated by in silico analysis. Since supporting evidence is limited at this time, the clinical significance of this alteration remains unclear.